The following is an entry in ClinVar:

NM_175914.5(HNF4A):c.139G>A (p.Gly47Ser)

Gene: HNF4A (hepatocyte nuclear factor 4 alpha; plus strand). Cytogenetic location: 20q13.12.
Variant type: single nucleotide variant.
Coding change: c.139G>A on transcript NM_175914.5 (MANE Select); coding-DNA position 139, G replaced by A.
Protein change: p.Gly47Ser; replaces glycine 47 with serine.
Molecular consequence: missense variant.
Genome position (GRCh38, 1-based): chr20:44,406,147, G>A. VCF-style: chr20-44406147-G-A. GRCh37 (hg19) VCF-style: chr20-43034787-G-A.
Other names: NM_175914.5:c.139G>A; c.205G>A, p.Gly69Ser (NM_000457.6, NM_178849.3, NM_178850.3); c.139G>A, p.Gly47Ser (NM_001030003.3, NM_001030004.3); c.184G>A, p.Gly62Ser (NM_001258355.2); c.130G>A, p.Gly44Ser (NM_001287182.2, NM_001287183.2, NM_001287184.2); short protein forms G44S, G47S, G62S, G69S.
Identifiers: ClinVar variation 3893275 (VCV003893275.1).
Genomic context (GRCh38, chr20:44,406,147, plus strand): 5'-AACGCGCCCAACAGCCTGGGTGTCAGCGCCCTGTGTGCCATCTGCGGGGACCGGGCCACG[G>A]GCAAACACTACGGTGCCTCGAGCTGTGACGGCTGCAAGGGCTTCTTCCGGAGGAGCGTGC-3'
Protein context (NP_787110.2, residues 37-57): LCAICGDRAT[Gly47Ser]KHYGASSCDG

ClinVar aggregate classification (germline): Uncertain significance (3 of 4 stars; one submission).

Conditions:
Monogenic diabetes. Identifiers: Orphanet 183625, MedGen C3888631, MONDO:0015967.

Submission:

ClinGen Monogenic Diabetes Variant Curation Expert Panel
Classification: Uncertain significance for Monogenic diabetes. Last evaluated: 2025-04-16. Review status: reviewed by expert panel. Criteria: ClinGen Diabetes ACMG Specifications HNF4A V2.0.0. Collection method: curation. Allele origin: germline. Inheritance: Autosomal dominant inheritance.
Comment: The c.139G>A variant in the hepatocyte nuclear factor 4-alpha gene, HNF4A, causes an amino acid change of glycine to serine at codon 47 (p.(Gly47Ser)) of NM_175914.5. This variant is located within the DNA binding domain (codons 37-113) of HNF4A, which is defined as critical for the protein’s function by the ClinGen MDEP (PM1_Supporting). This variant is predicted to be deleterious by computational evidence, with a REVEL score of 0.954, which is greater than the MDEP VCEP threshold of 0.70 (PP3). This variant is absent from gnomAD v2.1.1 (PM2_Supporting). This variant was identified in 2 individuals with a clinical history highly specific for HNF4A-monogenic diabetes (MODY probability calculator result >50%, negative genetic testing for HNF1A, and 3 generation family history of diabetes or personal history of neonatal hypoglycemia) (PP4_Moderate; internal lab contributors). In summary, c.139G>A meets the criteria to be classified as a variant of uncertain significance for monogenic diabetes. ACMG/AMP criteria applied, as specified by the ClinGen MDEP (specification version 2.0.0, approved 10/11/2023): PP4_Moderate, PP3, PM1_Supporting, PM2_Supporting.